The following is an entry in ClinVar:

ClinVar aggregate classification (germline): Conflicting classifications of pathogenicity. Review status: criteria provided, conflicting classifications (1 of 4 stars). 3 submissions from 3 submitters: Uncertain significance (2); Benign (1). Last evaluated 2024-12-04.

Conditions:
Frontometaphyseal dysplasia (FMD1). Identifiers: Orphanet 1826, MedGen C0265293, MONDO:0015942.
Melnick-Needles syndrome (MNS). Also called: MELNICK-NEEDLES OSTEODYSPLASTY; OSTEODYSPLASTY OF MELNICK AND NEEDLES; Melnick-Needles Syndrome (FLNA-MNS). Identifiers: Orphanet 2484, MedGen C0025237, MONDO:0010650, OMIM 309350.
Heterotopia, periventricular, X-linked dominant (PVNH1). Also called: X-linked periventricular heterotopia; PERIVENTRICULAR NODULAR HETEROTOPIA 1; PERIVENTRICULAR NODULAR HETEROTOPIA 4; HETEROTOPIA, PERIVENTRICULAR, 1. Identifiers: Orphanet 2149, Orphanet 82004, MedGen C1848213, MONDO:0010233, OMIM 300049.
Oto-palato-digital syndrome, type II (OPD2). Also called: FACIOPALATOOSSEOUS SYNDROME; Otopalatodigital Syndrome, Type II; OPD II SYNDROME; Otopalatodigital Syndrome Type 2 (FLNA-OPD2). Identifiers: Orphanet 669, Orphanet 90652, MedGen C1844696, MONDO:0010571, OMIM 304120.
FLNA-related disorder.

Allele frequency attached by ClinVar (database versions not stated): gnomAD exomes below 0.00001 and 0.00002; gnomAD 0.00002; ExAC 0.00003; TOPMed 0.00008; ESP Exome Variant Server 0.00010.
gnomAD v4.1: 3 of 1,211,123 alleles (0.00025%); highest among the groups gnomAD compares: African/African-American, 0.0052%; no homozygotes.

Submissions (3):

PreventionGenetics, part of Exact Sciences
Classification: Uncertain significance for FLNA-related condition. Last evaluated: 2024-12-04. Review status: criteria provided, single submitter. Criteria: ACMG Guidelines, 2015. Collection method: clinical testing. Allele origin: germline.
Comment: The FLNA c.1180A>G variant is predicted to result in the amino acid substitution p.Ser394Gly. To our knowledge, this variant has not been reported in the literature. This variant is reported in 0.024% of alleles in individuals of African descent in gnomAD. Although we suspect that this variant may be benign, at this time, the clinical significance of this variant is uncertain due to the absence of conclusive functional and genetic evidence.

Labcorp Genetics (formerly Invitae), Labcorp
Classification: Benign for Oto-palato-digital syndrome, type II; Heterotopia, periventricular, X-linked dominant; Frontometaphyseal dysplasia; Melnick-Needles syndrome. Last evaluated: 2024-05-01. Review status: criteria provided, single submitter. Criteria: Invitae Variant Classification Sherloc (09022015). Collection method: clinical testing. Allele origin: germline.

GeneDx
Classification: Uncertain significance. Last evaluated: 2023-07-25. Review status: criteria provided, single submitter. Criteria: GeneDx Variant Classification Process June 2021. Collection method: clinical testing. Allele origin: germline. Affected: yes.
Comment: In silico analysis supports that this missense variant does not alter protein structure/function; Has not been previously published as pathogenic or benign to our knowledge

NM_001110556.2(FLNA):c.1180A>G (p.Ser394Gly)

Gene: FLNA (filamin A; minus strand). Cytogenetic location: Xq28.
Variant type: single nucleotide variant.
Coding change: c.1180A>G on transcript NM_001110556.2 (MANE Select); coding-DNA position 1180, A replaced by G.
Protein change: p.Ser394Gly; replaces serine 394 with glycine.
Molecular consequence: missense variant.
Genome position (GRCh38, 1-based): chrX:154,366,356, T>C on the plus strand (A>G on the coding strand, the complement: FLNA is on the minus strand). VCF-style: chrX-154366356-T-C. GRCh37 (hg19) VCF-style: chrX-153594724-T-C.
Other names: c.1180A>G (NM_001456.3, NM_001110556.1); c.1180A>G, p.Ser394Gly (NM_001456.4); short protein forms S394G.
Identifiers: ClinVar variation 1429176 (VCV001429176.8), dbSNP rs371936356, ClinGen allele CA10561243.